The following is an entry in ClinVar:

NM_001267550.2(TTN):c.40634-15_40634-11del

Gene: TTN (titin; minus strand). Cytogenetic location: 2q31.2.
Variant type: Deletion.
Coding change: c.40634-15_40634-11del on transcript NM_001267550.2 (MANE Select); 15 bases into the intron before coding-DNA position 40634 through 11 bases into the intron before coding-DNA position 40634, 5 bases deleted (AATCT; older notation c.40634-15_40634-11delAATCT).
Molecular consequence: intron variant.
Genome position (GRCh38, 1-based): chr2:178,640,641-178,640,645, AGATT deleted on the plus strand (AATCT on the coding strand, the reverse complement: TTN is on the minus strand); deleting any 5 consecutive bases within chr2:178,640,641-178,640,646 gives the same sequence; the c. name uses the placement nearest the transcript's 3' end. VCF-style (leftmost placement, unchanged base first): chr2-178640640-AAGATT-A. GRCh37 (hg19) VCF-style: chr2-179505367-AAGATT-A.
Other names: p.?; c.13439-15_13439-11del (NM_003319.4); c.14015-15_14015-11del (NM_133437.4); c.13814-15_13814-11del (NM_133432.3); c.32930-15_32930-11del (NM_133378.4); c.35711-15_35711-11del (NM_001256850.1); c.32930-15_32930-11delAATCT (NM_133378.4); c.35711-15_35711-11delAATCT (NM_001256850.1).
Identifiers: ClinVar variation 46937 (VCV000046937.24), dbSNP rs375561641, ClinGen allele CA211178.

ClinVar aggregate classification (germline): Benign/Likely benign. Review status: criteria provided, multiple submitters, no conflicts (2 of 4 stars). 11 submissions from 11 submitters: Benign (1); Likely benign (6). 4 of the submissions do not count toward it. Last evaluated 2026-02-03.

Conditions:
Autosomal recessive limb-girdle muscular dystrophy type 2J (LGMDR10). Also called: Limb-girdle muscular dystrophy, type 2J; MUSCULAR DYSTROPHY, LIMB-GIRDLE, AUTOSOMAL RECESSIVE 10. Identifiers: Orphanet 140922, MedGen C1837342, MONDO:0012127, OMIM 608807.
Dilated cardiomyopathy 1G (CMD1G). Identifiers: Orphanet 154, MedGen C1858763, MONDO:0011400, OMIM 604145.
Hypertrophic cardiomyopathy 9. Also called: Familial hypertrophic cardiomyopathy 9. Identifiers: MedGen C1861065, MONDO:0013412, OMIM 613765.
Tibial muscular dystrophy (TMD). Also called: UDD MYOPATHY; Udd Distal Myopathy – Tibial Muscular Dystrophy; Tibial muscular dystrophy, tardive. Identifiers: Orphanet 609, MedGen C1838244, MONDO:0010870, OMIM 600334.
Early-onset myopathy with fatal cardiomyopathy (CMYO5). Also called: Salih Myopathy; CONGENITAL MYOPATHY 5 WITH CARDIOMYOPATHY. Identifiers: Orphanet 289377, MedGen C2673677, MONDO:0012714, OMIM 611705. Disease mechanism: loss of function.
Myopathy, myofibrillar, 9, with early respiratory failure (MFM9). Also called: Hereditary myopathy with early respiratory failure; EDSTROM MYOPATHY; MYOPATHY, PROXIMAL, WITH EARLY RESPIRATORY MUSCLE INVOLVEMENT; Myopathy, distal, with early respiratory failure, autosomal dominant. Identifiers: Orphanet 178464, Orphanet 34521, MedGen C1863599, MONDO:0011362, OMIM 603689.

Submissions (11):

Labcorp Genetics (formerly Invitae), Labcorp
Classification: Likely benign for Dilated cardiomyopathy 1G; Autosomal recessive limb-girdle muscular dystrophy type 2J. Last evaluated: 2026-02-03. Review status: criteria provided, single submitter. Criteria: Invitae Variant Classification Sherloc (09022015). Collection method: clinical testing. Allele origin: germline.

Mayo Clinic Laboratories, Mayo Clinic
Classification: Likely benign. Last evaluated: 2025-08-15. Review status: criteria provided, single submitter. Criteria: ACMG Guidelines, 2015. Collection method: clinical testing. Allele origin: germline. Observed: 3 variant alleles.
Comment: BP4, BP7

Women's Health and Genetics/Laboratory Corporation of America, LabCorp
Classification: Benign. Last evaluated: 2025-04-29. Review status: criteria provided, single submitter. Criteria: LabCorp Variant Classification Summary - May 2015. Collection method: clinical testing. Allele origin: germline.
Comment: Variant summary: TTN c.32930-15_32930-11delAATCT alters a nucleotide located at a position not widely known to affect splicing. Several computational tools predict a significant impact on normal splicing: One predicts the variant abolishes a 3' acceptor site. One predicts the variant weakens a 3' acceptor site. However, these predictions have yet to be confirmed by functional studies. The variant allele was found at a frequency of 0.00028 in 200540 control chromosomes, predominantly at a frequency of 0.0005 within the Non-Finnish European subpopulation in the gnomAD database, including 1 homozygote. The observed variant frequency within Non-Finnish European control individuals in the gnomAD database is approximately 1.3 fold of the estimated maximal expected allele frequency for a pathogenic variant in TTN causing Dilated Cardiomyopathy phenotype (0.00039). c.32930-15_32930-11delAATCT has been observed in an individual affected with cardiac atrial arrhythmia who harbored a pathogenic variant in SCN5A which was considered causal (Moreau_2018) . This report does not provide unequivocal conclusions about association of the variant with Dilated Cardiomyopathy. To our knowledge, no experimental evidence demonstrating an impact on protein function has been reported. The following publication has been ascertained in the context of this evaluation (PMID: 29579189). ClinVar contains an entry for this variant (Variation ID: 46937). Based on the evidence outlined above, the variant was classified as benign.

Molecular Diagnostic Laboratory for Inherited Cardiovascular Disease, Montreal Heart Institute
Classification: Likely benign. Last evaluated: 2025-04-09. Review status: criteria provided, single submitter. Criteria: ACMG Guidelines, 2015. Collection method: clinical testing. Allele origin: germline. Affected: no.

Blueprint Genetics
Classification: Likely benign. Last evaluated: 2024-10-24. Review status: criteria provided, single submitter. Criteria: ACMG Guidelines, 2015. Collection method: clinical testing. Allele origin: germline.

Fulgent Genetics
Classification: Likely benign for Tibial muscular dystrophy; Myopathy, myofibrillar, 9, with early respiratory failure; Dilated cardiomyopathy 1G; Autosomal recessive limb-girdle muscular dystrophy type 2J; Early-onset myopathy with fatal cardiomyopathy; Hypertrophic cardiomyopathy 9. Last evaluated: 2021-09-25. Review status: criteria provided, single submitter. Criteria: ACMG Guidelines, 2015. Collection method: clinical testing. Allele origin: unknown.

Laboratory for Molecular Medicine, Mass General Brigham Personalized Medicine
Classification: Likely benign. Last evaluated: 2019-09-23. Review status: criteria provided, single submitter. Criteria: LMM Criteria. Collection method: clinical testing. Allele origin: germline. Observed: 3 variant alleles.
Comment: proposed classification - variant undergoing re-assessment, contact laboratory

Clinical Genetics, Academic Medical Center
Classification: Benign. Review status: no assertion criteria provided. Collection method: clinical testing. Allele origin: germline. Affected: yes. Study: VKGL Data-share Consensus. Not counted in ClinVar's aggregate classification.

Genome Diagnostics Laboratory, University Medical Center Utrecht
Classification: Likely benign. Review status: no assertion criteria provided. Collection method: clinical testing. Allele origin: germline. Affected: yes. Study: VKGL Data-share Consensus. Not counted in ClinVar's aggregate classification.

Joint Genome Diagnostic Labs from Nijmegen and Maastricht, Radboudumc and MUMC+
Classification: Likely benign. Review status: no assertion criteria provided. Collection method: clinical testing. Allele origin: germline. Affected: yes. Study: VKGL Data-share Consensus. Not counted in ClinVar's aggregate classification.

Laboratory of Diagnostic Genome Analysis, Leiden University Medical Center (LUMC)
Classification: Likely benign. Review status: no assertion criteria provided. Collection method: clinical testing. Allele origin: germline. Affected: yes. Study: VKGL Data-share Consensus. Not counted in ClinVar's aggregate classification.

Literature cited by the submitters: PubMed 29579189 (cited by Women's Health and Genetics/Laboratory Corporation of America, LabCorp).